The following is an entry in ClinVar:

NM_015512.5(DNAH1):c.8311A>G (p.Ile2771Val)

Gene: DNAH1 (dynein axonemal heavy chain 1; plus strand). Cytogenetic location: 3p21.1.
Variant type: single nucleotide variant.
Coding change: c.8311A>G on transcript NM_015512.5 (MANE Select); coding-DNA position 8311, A replaced by G.
Protein change: p.Ile2771Val; replaces isoleucine 2771 with valine.
Molecular consequence: missense variant.
Genome position (GRCh38, 1-based): chr3:52,384,020, A>G. VCF-style: chr3-52384020-A-G. GRCh37 (hg19) VCF-style: chr3-52418036-A-G.
Other names: short protein forms I2771V.
Identifiers: ClinVar variation 2932089 (VCV002932089.2), dbSNP rs769357550, ClinGen allele CA2435160.

ClinVar aggregate classification (germline): Uncertain significance (1 of 4 stars; one submission).

Conditions:
Spermatogenic failure 18. Identifiers: MedGen C4539783, MONDO:0054615, OMIM 617576.
Ciliary dyskinesia, primary, 37 (CILD37). Also called: CILIARY DYSKINESIA, PRIMARY, 37, WITH OR WITHOUT SITUS INVERSUS. Identifiers: MedGen C4539798, MONDO:0033204, OMIM 617577.

Allele frequency attached by ClinVar (database versions not stated): gnomAD exomes below 0.00001; ExAC 0.00001.
gnomAD v4.1: 2 of 1,604,668 alleles (0.00012%); highest among the groups gnomAD compares: Non-Finnish European, 0.00017%; no homozygotes.

Submission:

Labcorp Genetics (formerly Invitae), Labcorp
Classification: Uncertain significance for Ciliary dyskinesia, primary, 37; Spermatogenic failure 18. Last evaluated: 2023-02-19. Review status: criteria provided, single submitter. Criteria: Invitae Variant Classification Sherloc (09022015). Collection method: clinical testing. Allele origin: germline.
Comment: In summary, the available evidence is currently insufficient to determine the role of this variant in disease. Therefore, it has been classified as a Variant of Uncertain Significance. Algorithms developed to predict the effect of missense changes on protein structure and function output the following: SIFT: "Not Available"; PolyPhen-2: "Benign"; Align-GVGD: "Not Available". The valine amino acid residue is found in multiple mammalian species, which suggests that this missense change does not adversely affect protein function. This variant has not been reported in the literature in individuals affected with DNAH1-related conditions. This variant is present in population databases (rs769357550, gnomAD 0.001%). This sequence change replaces isoleucine, which is neutral and non-polar, with valine, which is neutral and non-polar, at codon 2771 of the DNAH1 protein (p.Ile2771Val).